The following is an entry in ClinVar:

ClinVar aggregate classification (germline): Likely benign (1 of 4 stars; one submission).

Submission:

CeGaT Center for Human Genetics Tuebingen
Classification: Likely benign. Last evaluated: 2023-03-01. Review status: criteria provided, single submitter. Criteria: CeGaT Center For Human Genetics Tuebingen Variant Classification Criteria Version 2. Collection method: clinical testing. Allele origin: germline. Affected: yes. Observed: 4 variant alleles.
Comment: MITF: BS2

NM_001354604.2(MITF):c.*2159dup

Gene: MITF (melanocyte inducing transcription factor; plus strand). Cytogenetic location: 3p13.
Variant type: Duplication.
Coding change: c.*2159dup on transcript NM_001354604.2 (MANE Select); 2159 bases downstream of the stop codon, one base duplicated (G; older notation c.*2159dupG).
Molecular consequence: 3 prime UTR variant.
Genome position (GRCh38, 1-based): chr3:69,967,407, G duplicated; the last of 7 consecutive G bases (chr3:69,967,401-69,967,407); duplicating any one gives the same sequence. VCF-style (leftmost placement, unchanged base first): chr3-69967400-T-TG. GRCh37 (hg19) VCF-style: chr3-70016551-T-TG.
Other names: c.*2159dup (NM_000248.4, NM_001184967.2, NM_001354605.2 and 8 more transcripts).
Identifiers: ClinVar variation 346534 (VCV000346534.29), dbSNP rs550555819, ClinGen allele CA10619462.
Genomic context (GRCh38, chr3:69,967,400, plus strand): 5'-TGTACCATAGTGTTCATTGATACAATCATAGCATTGTCTATTTTTCTCTTCATATTTATA[T>TG]GGGGGGGAGGGCGCTGGATGCAAAAGTTGAAGATCGTGATGCTATGATGTTAGTTTTCCT-3'